The following is an entry in ClinVar:

NM_138694.4(PKHD1):c.9718C>G (p.Arg3240Gly)

Gene: PKHD1 (PKHD1 ciliary IPT domain containing fibrocystin/polyductin; minus strand). Cytogenetic location: 6p12.3.
Variant type: single nucleotide variant.
Coding change: c.9718C>G on transcript NM_138694.4 (MANE Select); coding-DNA position 9718, C replaced by G.
Protein change: p.Arg3240Gly; replaces arginine 3240 with glycine.
Molecular consequence: missense variant.
Genome position (GRCh38, 1-based): chr6:51,747,898, G>C on the plus strand (C>G on the coding strand, the complement: PKHD1 is on the minus strand). VCF-style: chr6-51747898-G-C. GRCh37 (hg19) VCF-style: chr6-51612696-G-C.
Other names: c.9718C>G, p.Arg3240Gly (NM_170724.3); short protein forms R3240G.
Identifiers: ClinVar variation 5016451 (VCV005016451.1).

ClinVar aggregate classification (germline): Likely pathogenic (1 of 4 stars; one submission).

Conditions:
Cystic renal disease.

gnomAD v4.1: 1 of 1,613,856 alleles (0.000062%); highest among the groups gnomAD compares: Non-Finnish European, 0.000085%; no homozygotes.

Submission:

Genetics Laboratory, Great Ormond Street Hospital NHS Foundation Trust, North Thames Genomic Laboratory Hub
Classification: Likely pathogenic for Cystic renal disease. Last evaluated: 2026-08-08. Review status: criteria provided, single submitter. Criteria: ACGS Best Practice Guidelines for Variant Classification in Rare Disease 2024 v1.2. Collection method: clinical testing. Allele origin: germline. Affected: yes.
Comment: PM2_moderate, PM5_moderate, PM3_moderate